The following is an entry in ClinVar:

ClinVar aggregate classification (germline): Uncertain significance (1 of 4 stars; one submission).

Allele frequency attached by ClinVar (database versions not stated): gnomAD exomes below 0.00001; TOPMed below 0.00001; gnomAD 0.00001.
gnomAD v4.1: 3 of 1,612,778 alleles (0.00019%); highest among the groups gnomAD compares: African/African-American, 0.0013%; no homozygotes.

Submission:

GeneDx
Classification: Uncertain significance. Last evaluated: 2019-05-15. Review status: criteria provided, single submitter. Criteria: GeneDx Variant Classification Process June 2021. Collection method: clinical testing. Allele origin: germline. Affected: yes.
Comment: Not observed at a significant frequency in large population cohorts (Lek et al., 2016); Nonsense variant predicted to result in protein truncation or nonsense mediated decay in a gene for which loss-of-function is not a known mechanism of disease; Has not been previously published as pathogenic or benign to our knowledge

NM_006514.4(SCN10A):c.1063C>T (p.Gln355Ter)

Gene: SCN10A (sodium voltage-gated channel alpha subunit 10; minus strand). Cytogenetic location: 3p22.2.
Variant type: single nucleotide variant.
Coding change: c.1063C>T on transcript NM_006514.4 (MANE Select); coding-DNA position 1063, C replaced by T.
Protein change: p.Gln355Ter; replaces glutamine 355 with a stop codon.
Molecular consequence: nonsense.
Genome position (GRCh38, 1-based): chr3:38,757,047, G>A on the plus strand (C>T on the coding strand, the complement: SCN10A is on the minus strand). VCF-style: chr3-38757047-G-A. GRCh37 (hg19) VCF-style: chr3-38798538-G-A.
Other names: c.1063C>T, p.Gln355Ter (NM_001293306.2, NM_001293307.2); short protein forms Q355*.
Identifiers: ClinVar variation 1305852 (VCV001305852.2), dbSNP rs1391585391, ClinGen allele CA352170061.